The following is an entry in ClinVar:

ClinVar aggregate classification (germline): Likely benign. Review status: criteria provided, single submitter (1 of 4 stars). 2 submissions from 2 submitters: Likely benign (1). 1 of the submissions does not count toward it. Last evaluated 2024-01-09.

Conditions:
YARS2-related disorder. Also called: YARS2-related condition.

Allele frequency attached by ClinVar (database versions not stated): ExAC 0.00001.
gnomAD v4.1: 33 of 1,612,418 alleles (0.002%); highest among the groups gnomAD compares: Non-Finnish European, 0.0026%; no homozygotes.

Submissions (2):

Labcorp Genetics (formerly Invitae), Labcorp
Classification: Likely benign. Last evaluated: 2024-01-09. Review status: criteria provided, single submitter. Criteria: Invitae Variant Classification Sherloc (09022015). Collection method: clinical testing. Allele origin: germline.

PreventionGenetics, part of Exact Sciences
Classification: Likely benign for YARS2-related condition. Last evaluated: 2021-06-14. Review status: no assertion criteria provided. Collection method: clinical testing. Allele origin: germline. Not counted in ClinVar's aggregate classification.
Comment: This variant is classified as likely benign based on ACMG/AMP sequence variant interpretation guidelines (Richards et al. 2015 PMID: 25741868, with internal and published modifications).

NM_001040436.3(YARS2):c.366G>A (p.Pro122=)

Gene: YARS2 (tyrosyl-tRNA synthetase 2; minus strand). Cytogenetic location: 12p11.21.
Variant type: single nucleotide variant.
Coding change: c.366G>A on transcript NM_001040436.3 (MANE Select); coding-DNA position 366, G replaced by A.
Protein change: p.Pro122=; no amino-acid change (proline 122 retained).
Molecular consequence: synonymous variant.
Genome position (GRCh38, 1-based): chr12:32,755,509, C>T on the plus strand (G>A on the coding strand, the complement: YARS2 is on the minus strand). VCF-style: chr12-32755509-C-T. GRCh37 (hg19) VCF-style: chr12-32908443-C-T.
Other names: c.366G>A (NM_001040436.2).
Identifiers: ClinVar variation 2700002 (VCV002700002.5), dbSNP rs765664593, ClinGen allele CA6508188.